The following is an entry in ClinVar:

ClinVar aggregate classification (germline): Uncertain significance (1 of 4 stars; one submission).

Conditions:
Combined immunodeficiency due to DOCK8 deficiency (HIES2). Also called: DOCK8 Deficiency; HIES autosomal recessive; Hyper-IgE recurrent infection syndrome, autosomal recessive; HYPER-IgE RECURRENT INFECTION SYNDROME 2, AUTOSOMAL RECESSIVE; HYPER-IgE SYNDROME 2, AUTOSOMAL RECESSIVE, WITH RECURRENT INFECTIONS. Identifiers: Orphanet 217390, MedGen C4722305, MONDO:0009478, OMIM 243700.

Submission:

Labcorp Genetics (formerly Invitae), Labcorp
Classification: Uncertain significance for Hyper-Immunoglobulin E Syndrome, Autosomal Recessive. Last evaluated: 2019-10-24. Review status: criteria provided, single submitter. Criteria: Invitae Variant Classification Sherloc (09022015). Collection method: clinical testing. Allele origin: germline.
Comment: This variant results in a copy number gain of the genomic region encompassing exons 5-48 of the DOCK8 gene. The 5' boundary is likely confined to intron 4. The 3' end of this event is unknown as it extends beyond the assayed region for this gene and therefore may encompass additional genes. As the precise location of this event is unknown, it may be in tandem or it may be located elsewhere in the genome. This variant has not been reported in the literature in individuals with DOCK8-related disease. In summary, the available evidence is currently insufficient to determine the role of this variant in disease. Therefore, it has been classified as a Variant of Uncertain Significance.

NC_000009.11:g.(?_304561)_(464239_?)dup

Gene: DOCK8 (dedicator of cytokinesis 8; plus strand). Cytogenetic location: 9p24.3.
Variant type: Duplication.
Identifiers: ClinVar variation 642058 (VCV000642058.2).